The following is an entry in ClinVar:

NM_001042492.3(NF1):c.2424T>C (p.Leu808=)

Gene: NF1 (neurofibromin 1; plus strand). Cytogenetic location: 17q11.2.
Variant type: single nucleotide variant.
Coding change: c.2424T>C on transcript NM_001042492.3 (MANE Select); coding-DNA position 2424, T replaced by C.
Protein change: p.Leu808=; no amino-acid change (leucine 808 retained).
Molecular consequence: synonymous variant.
Genome position (GRCh38, 1-based): chr17:31,229,039, T>C. VCF-style: chr17-31229039-T-C. GRCh37 (hg19) VCF-style: chr17-29556057-T-C.
Other names: c.2424T>C, p.Leu808= (NM_000267.4).
Identifiers: ClinVar variation 1791067 (VCV001791067.3), dbSNP rs2151428821, ClinGen allele CA499444058.

ClinVar aggregate classification (germline): Benign/Likely benign. Review status: criteria provided, multiple submitters, no conflicts (2 of 4 stars). 2 submissions from 2 submitters: Benign (1); Likely benign (1). Last evaluated 2026-05-18.

Conditions:
Hereditary cancer-predisposing syndrome. Also called: Neoplastic Syndromes, Hereditary; Tumor predisposition; Hereditary neoplastic syndrome; Hereditary Cancer Syndrome. Identifiers: Orphanet 140162, MedGen C0027672, MeSH D009386, MONDO:0015356.
Cardiovascular phenotype. Identifiers: MedGen CN230736.
Neurofibromatosis, type 1 (NF1). Also called: Neurofibromatosis, type I; NEUROFIBROMATOSIS, TYPE I, SOMATIC; Peripheral type neurofibromatosis; VON RECKLINGHAUSEN DISEASE. Identifiers: Orphanet 636, MedGen C0027831, MONDO:0018975, OMIM 162200. Disease mechanism: loss of function.

Submissions (2):

Myriad Genetics, Inc.
Classification: Benign for Neurofibromatosis, type 1. Last evaluated: 2026-05-18. Review status: criteria provided, single submitter. Criteria: Myriad Autosomal Dominant, Autosomal Recessive and X-Linked Classification Criteria (2023). Collection method: clinical testing. Allele origin: unknown.
Comment: This variant is considered benign. This variant is a silent/synonymous amino acid change and it is not expected to impact splicing.

Ambry Genetics
Classification: Likely benign for Cardiovascular phenotype; Hereditary cancer-predisposing syndrome. Last evaluated: 2017-03-25. Review status: criteria provided, single submitter. Criteria: Ambry Variant Classification Scheme 2023. Collection method: clinical testing. Allele origin: germline.